The following is an entry in ClinVar:

ClinVar aggregate classification (germline): Uncertain significance. Review status: criteria provided, multiple submitters, no conflicts (2 of 4 stars). 5 submissions from 5 submitters: Uncertain significance (4). 1 of the submissions does not count toward it. Last evaluated 2026-10-21.

Conditions:
Cardiovascular phenotype. Identifiers: MedGen CN230736.
Alstrom syndrome (ALMS). Identifiers: Orphanet 64, MedGen C0268425, MONDO:0008763, OMIM 203800.

Allele frequency attached by ClinVar (database versions not stated): gnomAD 0.00002; TOPMed 0.00002; ExAC 0.00002.
gnomAD v4.1: 22 of 1,613,512 alleles (0.0014%); highest among the groups gnomAD compares: Admixed American, 0.005%; no homozygotes.

Submissions (5):

GeneDx
Classification: Uncertain significance. Last evaluated: 2026-10-21. Review status: criteria provided, single submitter. Criteria: GeneDx Variant Classification Process June 2021. Collection method: clinical testing. Allele origin: germline.
Comment: Not observed at significant frequency in large population cohorts (gnomAD); In silico analysis supports that this missense variant has a deleterious effect on protein structure/function; Has not been previously published as pathogenic or benign to our knowledge

Ambry Genetics
Classification: Uncertain significance for Cardiovascular phenotype. Last evaluated: 2025-11-06. Review status: criteria provided, single submitter. Criteria: Ambry Variant Classification Scheme 2023. Collection method: clinical testing. Allele origin: germline.
Comment: The p.R2346W variant (also known as c.7036C>T), located in coding exon 8 of the ALMS1 gene, results from a C to T substitution at nucleotide position 7036. The arginine at codon 2346 is replaced by tryptophan, an amino acid with dissimilar properties. This amino acid position is poorly conserved in available vertebrate species. In addition, the in silico prediction for this alteration is inconclusive. Based on the available evidence, the clinical significance of this variant remains unclear.

Blueprint Genetics
Classification: Uncertain significance. Last evaluated: 2022-09-14. Review status: criteria provided, single submitter. Criteria: ACMG Guidelines, 2015. Collection method: clinical testing. Allele origin: germline.

Labcorp Genetics (formerly Invitae), Labcorp
Classification: Uncertain significance for Alstrom syndrome. Last evaluated: 2022-04-09. Review status: criteria provided, single submitter. Criteria: Invitae Variant Classification Sherloc (09022015). Collection method: clinical testing. Allele origin: germline.
Comment: This sequence change replaces arginine, which is basic and polar, with tryptophan, which is neutral and slightly polar, at codon 2346 of the ALMS1 protein (p.Arg2346Trp). This variant is present in population databases (rs776611154, gnomAD 0.006%). This variant has not been reported in the literature in individuals affected with ALMS1-related conditions. ClinVar contains an entry for this variant (Variation ID: 864225). Experimental studies and prediction algorithms are not available or were not evaluated, and the functional significance of this variant is currently unknown. In summary, the available evidence is currently insufficient to determine the role of this variant in disease. Therefore, it has been classified as a Variant of Uncertain Significance.

Natera, Inc.
Classification: Uncertain significance for Alstrom syndrome. Last evaluated: 2021-04-29. Review status: no assertion criteria provided. Collection method: clinical testing. Allele origin: germline. Not counted in ClinVar's aggregate classification.

NM_001378454.1(ALMS1):c.7033C>T (p.Arg2345Trp)

Gene: ALMS1 (ALMS1 centrosome and basal body associated protein; plus strand). Cytogenetic location: 2p13.1.
Variant type: single nucleotide variant.
Coding change: c.7033C>T on transcript NM_001378454.1 (MANE Select); coding-DNA position 7033, C replaced by T.
Protein change: p.Arg2345Trp; replaces arginine 2345 with tryptophan.
Molecular consequence: missense variant.
Genome position (GRCh38, 1-based): chr2:73,453,560, C>T. VCF-style: chr2-73453560-C-T. GRCh37 (hg19) VCF-style: chr2-73680687-C-T.
Other names: c.7036C>T, p.Arg2346Trp (NM_015120.4); short protein forms R2345W, R2346W.
Identifiers: ClinVar variation 864225 (VCV000864225.14), dbSNP rs776611154, ClinGen allele CA1714171.